The following is an entry in ClinVar:

NM_173628.4(DNAH17):c.12216C>T (p.Ala4072=)

Gene: DNAH17 (dynein axonemal heavy chain 17; minus strand). Cytogenetic location: 17q25.3.
Variant type: single nucleotide variant.
Coding change: c.12216C>T on transcript NM_173628.4 (MANE Select); coding-DNA position 12216, C replaced by T.
Protein change: p.Ala4072=; no amino-acid change (alanine 4072 retained).
Molecular consequence: synonymous variant.
Genome position (GRCh38, 1-based): chr17:78,434,038, G>A on the plus strand (C>T on the coding strand, the complement: DNAH17 is on the minus strand). VCF-style: chr17-78434038-G-A. GRCh37 (hg19) VCF-style: chr17-76430119-G-A.
Identifiers: ClinVar variation 2648348 (VCV002648348.25), dbSNP rs370196898, ClinGen allele CA8800153.

ClinVar aggregate classification (germline): Likely benign. Review status: criteria provided, multiple submitters, no conflicts (2 of 4 stars). 2 submissions from 2 submitters: Likely benign (2). Last evaluated 2024-11-26.

Allele frequency attached by ClinVar (database versions not stated): ExAC 0.00007; gnomAD 0.00011; ESP Exome Variant Server 0.00015; TOPMed 0.00015; gnomAD exomes 0.00018.
gnomAD v4.1: 279 of 1,605,550 alleles (0.017%); highest among the groups gnomAD compares: Non-Finnish European, 0.022%; no homozygotes.

Submissions (2):

Blueprint Genetics
Classification: Likely benign. Last evaluated: 2024-11-26. Review status: criteria provided, single submitter. Criteria: ACMG Guidelines, 2015. Collection method: clinical testing. Allele origin: germline.

CeGaT Center for Human Genetics Tuebingen
Classification: Likely benign. Last evaluated: 2022-05-01. Review status: criteria provided, single submitter. Criteria: CeGaT Center For Human Genetics Tuebingen Variant Classification Criteria Version 2. Collection method: clinical testing. Allele origin: germline. Affected: yes. Observed: 1 variant allele.
Comment: DNAH17: BP4, BP7